The following is an entry in ClinVar:

ClinVar aggregate classification (germline): Benign/Likely benign. Review status: criteria provided, multiple submitters, no conflicts (2 of 4 stars). 6 submissions from 6 submitters: Benign (1); Likely benign (4). 1 of the submissions does not count toward it. Last evaluated 2026-01-13.

Conditions:
Hereditary nonpolyposis colorectal neoplasms. Identifiers: MedGen C0009405, MeSH D003123.
Hereditary cancer-predisposing syndrome. Also called: Tumor predisposition; Hereditary neoplastic syndrome; Neoplastic Syndromes, Hereditary; Hereditary Cancer Syndrome. Identifiers: Orphanet 140162, MedGen C0027672, MeSH D009386, MONDO:0015356.
Lynch syndrome 5 (LYNCH5). Also called: Hereditary non-polyposis colorectal cancer, type 5; Colorectal cancer, hereditary nonpolyposis, type 5. Identifiers: Orphanet 144, MedGen C1833477, MONDO:0013710, OMIM 614350. Disease mechanism: loss of function.
Carcinoma of colon (CRC). Also called: Colonic carcinoma; Colon carcinoma. Identifiers: MedGen C0699790, MONDO:0002032.

Allele frequency attached by ClinVar (database versions not stated): gnomAD exomes below 0.00001.
gnomAD v4.1: 1 of 1,614,222 alleles (0.000062%); highest among the groups gnomAD compares: Non-Finnish European, 0.000085%; no homozygotes.

Submissions (6):

Labcorp Genetics (formerly Invitae), Labcorp
Classification: Likely benign for Hereditary nonpolyposis colorectal neoplasms. Last evaluated: 2026-01-13. Review status: criteria provided, single submitter. Criteria: Invitae Variant Classification Sherloc (09022015). Collection method: clinical testing. Allele origin: germline.

Myriad Genetics, Inc.
Classification: Benign for Lynch syndrome 5. Last evaluated: 2024-12-19. Review status: criteria provided, single submitter. Criteria: Myriad Autosomal Dominant, Autosomal Recessive and X-Linked Classification Criteria (2023). Collection method: clinical testing. Allele origin: unknown.
Comment: This variant is considered benign. This variant is a silent/synonymous amino acid change and it is not expected to impact splicing.

Women's Health and Genetics/Laboratory Corporation of America, LabCorp
Classification: Likely benign. Last evaluated: 2019-08-29. Review status: criteria provided, single submitter. Criteria: LabCorp Variant Classification Summary - May 2015. Collection method: clinical testing. Allele origin: germline.

Color Diagnostics, LLC DBA Color Health
Classification: Likely benign for Hereditary cancer-predisposing syndrome. Last evaluated: 2017-08-31. Review status: criteria provided, single submitter. Criteria: ACMG Guidelines, 2015. Collection method: clinical testing. Allele origin: germline.

Ambry Genetics
Classification: Likely benign for Hereditary cancer-predisposing syndrome. Last evaluated: 2015-12-20. Review status: criteria provided, single submitter. Criteria: Ambry Variant Classification Scheme 2023. Collection method: clinical testing. Allele origin: germline.

Department of Pathology and Laboratory Medicine, Sinai Health System
Classification: Uncertain significance for Carcinoma of colon. Review status: no assertion criteria provided. Collection method: clinical testing. Allele origin: unknown. Affected: yes. Study: The Canadian Open Genetics Repository (COGR). Not counted in ClinVar's aggregate classification.
Comment: The MSH6 p.Glu171= variant was not identified in the literature nor was it identified in the following control databases: the 1000 Genomes Project, the NHLBI GO Exome Sequencing Project, the Exome Aggregation Consortium (August 8th 2016) or the Genome Aggregation Database (Feb 27, 2017). The variant was also not identified in the following databases: dbSNP, COSMIC, Mismatch Repair Genes Variant, MMR Gene Unclassified Variants, InSiGHT Colon Cancer Gene Variant (LOVD), Zhejiang Colon Cancer (LOVD), COGR or UMD databases. The variant was identified in the ClinVar and Clinvitae databases classified as likely benign by Ambry Genetics. The p.Glu171= variant is not expected to have clinical significance because it does not result in a change of amino acid. The variant occurs outside of the splicing consensus sequence and it is not predicted to affect a known splice site however 1 of 5 in silico or computational prediction software programs (SpliceSiteFinder, MaxEntScan, NNSPLICE, GeneSplicer, HumanSpliceFinder) predict a greater than 10% chance that the variant creates a 3â€šÃ„Ã´ splice site; this is not very predictive of pathogenicity. The identification of this variant by our laboratory in 2 individuals with a co-occurring likely pathogenic variant in the MSH6 gene increases the likelihood this variant does not have clinical significance. In summary, based on the above information, the clinical significance of this variant cannot be determined with certainty at this time. This variant is classified as a variant of uncertain significance.

NM_000179.3(MSH6):c.513A>G (p.Glu171=)

Gene: MSH6 (mutS homolog 6; plus strand). Cytogenetic location: 2p16.3.
Variant type: single nucleotide variant.
Coding change: c.513A>G on transcript NM_000179.3 (MANE Select); coding-DNA position 513, A replaced by G.
Protein change: p.Glu171=; no amino-acid change (glutamic acid 171 retained).
Molecular consequence: synonymous variant. On other transcripts: 5 prime UTR variant (1), intron variant (2).
Genome position (GRCh38, 1-based): chr2:47,795,949, A>G. VCF-style: chr2-47795949-A-G. GRCh37 (hg19) VCF-style: chr2-48023088-A-G.
Other names: c.-390A>G (NM_001281494.2); c.-279-2662A>G (NM_001281493.2); c.238-2662A>G (NM_001281492.2).
Identifiers: ClinVar variation 183854 (VCV000183854.22), dbSNP rs786201116, ClinGen allele CA015759.